The following is an entry in ClinVar:

NM_002397.5(MEF2C):c.811-267del

Gene: MEF2C (myocyte enhancer factor 2C; minus strand). Cytogenetic location: 5q14.3.
Variant type: Deletion.
Coding change: c.811-267del on transcript NM_002397.5 (MANE Select); 267 bases into the intron before coding-DNA position 811, one base deleted (T; older notation c.811-267delT).
Molecular consequence: intron variant.
Genome position (GRCh38, 1-based): chr5:88,730,501, A deleted on the plus strand (T on the coding strand, the reverse complement: MEF2C is on the minus strand); the first of 9 consecutive A bases (chr5:88,730,501-88,730,509); deleting any one gives the same sequence. VCF-style (leftmost placement, unchanged base first): chr5-88730500-GA-G. GRCh37 (hg19) VCF-style: chr5-88026317-GA-G.
Other names: c.811-267del (NM_001364329.2, NM_001364330.2, NM_001193350.2 and 9 more transcripts); c.811-1154del (NM_001364333.2, NM_001308002.3, NM_001364349.2 and 6 more transcripts); c.667-267del (NM_001364344.2, NM_001364354.2, NM_001364332.2 and 2 more transcripts); c.433-267del (NM_001364353.2, NM_001364356.2); c.805-1154del (NM_001131005.2, NM_001364352.2, NM_001364343.2); c.865-1154del (NM_001193347.1, NM_001364338.2); c.667-1154del (NM_001193348.1); c.385-1154del (NM_001364357.2).
Identifiers: ClinVar variation 674064 (VCV000674064.1), dbSNP rs370988334, ClinGen allele CA122608771.

ClinVar aggregate classification (germline): Likely benign (1 of 4 stars; one submission).

Submission:

GeneDx
Classification: Likely benign. Last evaluated: 2018-06-19. Review status: criteria provided, single submitter. Criteria: GeneDx Variant Classification (06012015). Collection method: clinical testing. Allele origin: germline. Affected: yes.
Comment: This variant is considered likely benign or benign based on one or more of the following criteria: it is a conservative change, it occurs at a poorly conserved position in the protein, it is predicted to be benign by multiple in silico algorithms, and/or has population frequency not consistent with disease.